The following is an entry in ClinVar:

NM_001370100.5(ZMYND11):c.806C>T (p.Pro269Leu)

Gene: ZMYND11 (zinc finger MYND-type containing 11; plus strand). Cytogenetic location: 10p15.3.
Variant type: single nucleotide variant.
Coding change: c.806C>T on transcript NM_001370100.5 (MANE Select); coding-DNA position 806, C replaced by T.
Protein change: p.Pro269Leu; replaces proline 269 with leucine.
Molecular consequence: missense variant. On other transcripts: non-coding transcript variant (1), intron variant (1).
Genome position (GRCh38, 1-based): chr10:240,945, C>T. VCF-style: chr10-240945-C-T. GRCh37 (hg19) VCF-style: chr10-286885-C-T.
Other names: c.644C>T, p.Pro215Leu (NM_001202464.3, NM_001202467.1, NM_001370103.2 and 6 more transcripts); c.551C>T, p.Pro184Leu (NM_001202465.3, NM_001370110.2); c.641C>T, p.Pro214Leu (NM_001202466.3, NM_001370111.2); c.806C>T, p.Pro269Leu (NM_001202468.1, NM_001370097.3, NM_001370098.2 and 5 more transcripts); c.755C>T, p.Pro252Leu (NM_001330057.3, NM_001370112.2); c.713C>T, p.Pro238Leu (NM_001370113.2, NM_001370114.2); c.803C>T, p.Pro268Leu (NM_001370115.2, NM_212479.4); c.740C>T, p.Pro247Leu (NM_001370116.2); and 7 more; short protein forms P112L, P150L, P167L, P175L, P184L, P193L, P214L, P215L.
Identifiers: ClinVar variation 1331648 (VCV001331648.4), dbSNP rs2131773173, ClinGen allele CA375846057.

ClinVar aggregate classification (germline): Uncertain significance (1 of 4 stars; one submission).

Submission:

Greenwood Genetic Center Diagnostic Laboratories, Greenwood Genetic Center
Classification: Uncertain significance. Last evaluated: 2021-01-14. Review status: criteria provided, single submitter. Criteria: ACMG Guidelines, 2015. Collection method: clinical testing. Allele origin: germline. Affected: yes.
Comment: PM2